The following is an entry in ClinVar:

NM_001142416.2(AIMP1):c.334C>T (p.Gln112Ter)

Gene: AIMP1 (aminoacyl tRNA synthetase complex interacting multifunctional protein 1; plus strand). Cytogenetic location: 4q24.
Variant type: single nucleotide variant.
Coding change: c.334C>T on transcript NM_001142416.2 (MANE Select); coding-DNA position 334, C replaced by T.
Protein change: p.Gln112Ter; replaces glutamine 112 with a stop codon.
Molecular consequence: nonsense.
Genome position (GRCh38, 1-based): chr4:106,328,186, C>T. VCF-style: chr4-106328186-C-T. GRCh37 (hg19) VCF-style: chr4-107249343-C-T.
Other names: c.334C>T, p.Gln112Ter (NM_001142415.2, NM_004757.4); short protein forms Q112*.
Identifiers: ClinVar variation 243083 (VCV000243083.4), dbSNP rs879253867, ClinGen allele CA10584079.

ClinVar aggregate classification (germline): Pathogenic. Review status: criteria provided, multiple submitters, no conflicts (2 of 4 stars). 2 submissions from 2 submitters: Pathogenic (2). Last evaluated 2020-05-03.

Conditions:
Leukodystrophy, hypomyelinating, 3. Identifiers: Orphanet 280270, Orphanet 280293, MedGen C1850053, MONDO:0009843, OMIM 260600.

gnomAD v4.1: 2 of 1,612,712 alleles (0.00012%); no homozygotes.

Submissions (2):

Genomic Research Center, Shahid Beheshti University of Medical Sciences
Classification: Pathogenic. Last evaluated: 2020-05-03. Review status: criteria provided, single submitter. Criteria: ACMG Guidelines, 2015. Collection method: clinical testing. Allele origin: unknown. Affected: yes.

Lupski Lab, Baylor-Hopkins CMG, Baylor College of Medicine
Classification: Pathogenic for Leukodystrophy, hypomyelinating, 3. Last evaluated: 2015-08-18. Review status: criteria provided, single submitter. Criteria: Gonzaga-Jauregui et al. (Cell Rep. 2015). Collection method: research. Allele origin: inherited. Inheritance: Autosomal recessive inheritance. Affected: yes. Observed: 1 variant allele, 1 homozygote.